The following is an entry in ClinVar:

NM_000243.3(MEFV):c.32C>G (p.Ser11Cys)

Gene: MEFV (MEFV innate immunity regulator, pyrin; minus strand). Cytogenetic location: 16p13.3.
Variant type: single nucleotide variant.
Coding change: c.32C>G on transcript NM_000243.3 (MANE Select); coding-DNA position 32, C replaced by G.
Protein change: p.Ser11Cys; replaces serine 11 with cysteine.
Molecular consequence: missense variant.
Genome position (GRCh38, 1-based): chr16:3,256,556, G>C on the plus strand (C>G on the coding strand, the complement: MEFV is on the minus strand). VCF-style: chr16-3256556-G-C. GRCh37 (hg19) VCF-style: chr16-3306556-G-C.
Other names: c.32C>G, p.Ser11Cys (NM_001198536.2); short protein forms S11C.
Identifiers: ClinVar variation 1058528 (VCV001058528.10), dbSNP rs149693562, ClinGen allele CA276904610.

ClinVar aggregate classification (germline): Uncertain significance. Review status: criteria provided, single submitter (1 of 4 stars). 2 submissions from 2 submitters: Uncertain significance (1). 1 of the submissions does not count toward it. Last evaluated 2021-08-24.

Conditions:
Familial Mediterranean fever (FMF). Also called: POLYSEROSITIS, FAMILIAL PAROXYSMAL; POLYSEROSITIS, RECURRENT; Periodic peritonitis; Benign paroxysmal peritonitis. Identifiers: Orphanet 342, MedGen C0031069, MONDO:0018088, OMIM 249100. Disease mechanism: gain of function.

Allele frequency attached by ClinVar (database versions not stated): gnomAD exomes below 0.00001 and 0.00002; TOPMed 0.00001; gnomAD 0.00001; ESP Exome Variant Server 0.00008.
gnomAD v4.1: 28 of 1,614,100 alleles (0.0017%); highest among the groups gnomAD compares: Non-Finnish European, 0.0023%; no homozygotes.

Submissions (2):

Labcorp Genetics (formerly Invitae), Labcorp
Classification: Uncertain significance for Familial Mediterranean fever. Last evaluated: 2021-08-24. Review status: criteria provided, single submitter. Criteria: Invitae Variant Classification Sherloc (09022015). Collection method: clinical testing. Allele origin: germline.
Comment: This sequence change replaces serine with cysteine at codon 11 of the MEFV protein (p.Ser11Cys). The serine residue is weakly conserved and there is a moderate physicochemical difference between serine and cysteine. This variant is not present in population databases (ExAC no frequency). This variant has not been reported in the literature in individuals affected with MEFV-related conditions. Algorithms developed to predict the effect of missense changes on protein structure and function are either unavailable or do not agree on the potential impact of this missense change (SIFT: "Deleterious"; PolyPhen-2: "Possibly Damaging"; Align-GVGD: "Class C0"). In summary, the available evidence is currently insufficient to determine the role of this variant in disease. Therefore, it has been classified as a Variant of Uncertain Significance.

Natera, Inc.
Classification: Uncertain significance for Familial Mediterranean fever. Last evaluated: 2020-09-30. Review status: no assertion criteria provided. Collection method: clinical testing. Allele origin: germline. Not counted in ClinVar's aggregate classification.